The following is an entry in ClinVar:

NM_030943.4(AMN):c.714del (p.Cys239fs)

Gene: AMN (amnion associated transmembrane protein; plus strand). Cytogenetic location: 14q32.32.
Variant type: Deletion.
Coding change: c.714del on transcript NM_030943.4 (MANE Select); coding-DNA position 714, one base deleted (C; older notation c.714delC).
Protein change: p.Cys239fs; shifts the reading frame from cysteine 239.
Molecular consequence: frameshift variant.
Genome position (GRCh38, 1-based): chr14:102,929,490, C deleted; the last of 2 consecutive C bases (chr14:102,929,489-102,929,490); deleting either gives the same sequence. VCF-style (leftmost placement, unchanged base first): chr14-102929488-GC-G. GRCh37 (hg19) VCF-style: chr14-103395825-GC-G.
Other names: c.552del, p.Cys185fs (NM_001425246.1); short protein forms C185fs, C239fs.
Identifiers: ClinVar variation 5005283 (VCV005005283.2).

ClinVar aggregate classification (germline): Likely pathogenic (1 of 4 stars; one submission).

Conditions:
Imerslund-Grasbeck syndrome type 2. Also called: Megaloblastic anemia 1, Norwegian type; MEGALOBLASTIC ANEMIA, NORWEGIAN TYPE; Imerslund-Gräsbeck syndrome 2. Identifiers: MedGen C4016948, MONDO:0100157, OMIM 618882.

Submission:

Juno Genomics, Hangzhou Juno Genomics, Inc
Classification: Likely pathogenic for Imerslund-Grasbeck syndrome type 2. Review status: criteria provided, single submitter. Criteria: ACMG Guidelines, 2015. Collection method: clinical testing. Allele origin: germline.
Comment: Null variant in a gene where loss of function (LOF) is a known mechanism of disease.;Absent from controls (or at extremely low frequency if recessive) in Genome Aggregation Database.